The following is an entry in ClinVar:

ClinVar aggregate classification (germline): Uncertain significance (1 of 4 stars; one submission).

Conditions:
BBS7-related disorder. Also called: BBS7-related condition.

Allele frequency attached by ClinVar (database versions not stated): gnomAD exomes below 0.00001; TOPMed 0.00001.
gnomAD v4.1: 5 of 1,613,732 alleles (0.00031%); highest among the groups gnomAD compares: Non-Finnish European, 0.00034%; no homozygotes.

Submission:

PreventionGenetics, part of Exact Sciences
Classification: Uncertain significance for BBS7-related condition. Last evaluated: 2023-07-14. Review status: criteria provided, single submitter. Criteria: ACMG Guidelines, 2015. Collection method: clinical testing. Allele origin: germline.
Comment: The BBS7 c.1354A>G variant is predicted to result in the amino acid substitution p.Thr452Ala. To our knowledge, this variant has not been reported in the literature or in a large population database, indicating this variant is rare. At this time, the clinical significance of this variant is uncertain due to the absence of conclusive functional and genetic evidence.

NM_176824.3(BBS7):c.1354A>G (p.Thr452Ala)

Gene: BBS7 (Bardet-Biedl syndrome 7; minus strand). Cytogenetic location: 4q27.
Variant type: single nucleotide variant.
Coding change: c.1354A>G on transcript NM_176824.3 (MANE Select); coding-DNA position 1354, A replaced by G.
Protein change: p.Thr452Ala; replaces threonine 452 with alanine.
Molecular consequence: missense variant.
Genome position (GRCh38, 1-based): chr4:121,839,648, T>C on the plus strand (A>G on the coding strand, the complement: BBS7 is on the minus strand). VCF-style: chr4-121839648-T-C. GRCh37 (hg19) VCF-style: chr4-122760803-T-C.
Other names: c.1354A>G, p.Thr452Ala (NM_018190.4); short protein forms T452A.
Identifiers: ClinVar variation 2628663 (VCV002628663.1), dbSNP rs1725626883, ClinGen allele CA358060126.